The following is an entry in ClinVar:

ClinVar aggregate classification (germline): Uncertain significance (1 of 4 stars; one submission).

Conditions:
Cardiovascular phenotype. Identifiers: MedGen CN230736.

gnomAD v4.1: 1 of 1,612,460 alleles (0.000062%); highest among the groups gnomAD compares: Non-Finnish European, 0.000085%; no homozygotes.

Submission:

Ambry Genetics
Classification: Uncertain significance for Cardiovascular phenotype. Last evaluated: 2025-02-06. Review status: criteria provided, single submitter. Criteria: Ambry Variant Classification Scheme 2023. Collection method: clinical testing. Allele origin: germline.
Comment: The p.K869E variant (also known as c.2605A>G), located in coding exon 17 of the FLNC gene, results from an A to G substitution at nucleotide position 2605. The lysine at codon 869 is replaced by glutamic acid, an amino acid with similar properties. This amino acid position is conserved. In addition, this alteration is predicted to be deleterious by in silico analysis. Based on the available evidence, the clinical significance of this variant remains unclear.

NM_001458.5(FLNC):c.2605A>G (p.Lys869Glu)

Gene: FLNC (filamin C; plus strand). Cytogenetic location: 7q32.1.
Variant type: single nucleotide variant.
Coding change: c.2605A>G on transcript NM_001458.5 (MANE Select); coding-DNA position 2605, A replaced by G.
Protein change: p.Lys869Glu; replaces lysine 869 with glutamic acid.
Molecular consequence: missense variant.
Genome position (GRCh38, 1-based): chr7:128,843,283, A>G. VCF-style: chr7-128843283-A-G. GRCh37 (hg19) VCF-style: chr7-128483337-A-G.
Other names: c.2605A>G, p.Lys869Glu (NM_001127487.2); short protein forms K869E.
Identifiers: ClinVar variation 3850786 (VCV003850786.1).